The following is an entry in ClinVar:

ClinVar aggregate classification (germline): Benign/Likely benign. Review status: criteria provided, multiple submitters, no conflicts (2 of 4 stars). 4 submissions from 4 submitters: Benign (2); Likely benign (2). Last evaluated 2026-08-07.

Conditions:
DYNC2I2-related disorder. Also called: DYNC2I2-related condition.
Short-rib thoracic dysplasia 11 with or without polydactyly (SRTD11). Also called: SHORT-RIB THORACIC DYSPLASIA 11 WITHOUT POLYDACTYLY. Identifiers: Orphanet 474, Orphanet 93271, MedGen C3810200, MONDO:0014287, OMIM 615633.

Allele frequency attached by ClinVar (database versions not stated): ESP Exome Variant Server 0.00008; gnomAD exomes 0.00071 and 0.00258; gnomAD 0.00088 and 0.00115; TOPMed 0.00121; 1000 Genomes Project 30x 0.00671; ExAC 0.00317; 1000 Genomes Project 0.00659.
gnomAD v4.1: 1,338 of 1,611,284 alleles (0.083%); highest among the groups gnomAD compares: East Asian, 2.3%; 21 homozygotes.

Submissions (4):

PreventionGenetics, part of Exact Sciences
Classification: Benign for DYNC2I2-related condition. Last evaluated: 2026-08-07. Review status: criteria provided, single submitter. Criteria: ACMG Guidelines, 2015. Collection method: clinical testing. Allele origin: germline.
Comment: This variant is classified as benign based on ACMG/AMP sequence variant interpretation guidelines (Richards et al. 2015 PMID: 25741868, with internal and published modifications).

Labcorp Genetics (formerly Invitae), Labcorp
Classification: Benign for Short-rib thoracic dysplasia 11 with or without polydactyly. Last evaluated: 2026-01-28. Review status: criteria provided, single submitter. Criteria: Invitae Variant Classification Sherloc (09022015). Collection method: clinical testing. Allele origin: germline.

Blueprint Genetics
Classification: Likely benign. Last evaluated: 2024-11-27. Review status: criteria provided, single submitter. Criteria: ACMG Guidelines, 2015. Collection method: clinical testing. Allele origin: germline.

GeneDx
Classification: Likely benign. Last evaluated: 2020-11-06. Review status: criteria provided, single submitter. Criteria: GeneDx Variant Classification Process June 2021. Collection method: clinical testing. Allele origin: germline. Affected: yes.

NM_052844.4(DYNC2I2):c.1116G>A (p.Thr372=)

Genes: DYNC2I2 (dynein 2 intermediate chain 2; minus strand), LOC126860772 (CDK7 strongly-dependent group 2 enhancer GRCh37_chr9:131396972-131398171; plus strand). Cytogenetic location: 9q34.11.
Variant type: single nucleotide variant.
Coding change: c.1116G>A on transcript NM_052844.4 (MANE Select); coding-DNA position 1116, G replaced by A.
Protein change: p.Thr372=; no amino-acid change (threonine 372 retained).
Molecular consequence: synonymous variant.
Genome position (GRCh38, 1-based): chr9:128,634,787, C>T on the plus strand (G>A on the coding strand, the complement: DYNC2I2 is on the minus strand). VCF-style: chr9-128634787-C-T. GRCh37 (hg19) VCF-style: chr9-131397066-C-T.
Identifiers: ClinVar variation 772280 (VCV000772280.15), dbSNP rs138690108, ClinGen allele CA5266339.